The following is an entry in ClinVar:

NM_001353345.2(SETD1B):c.2953A>G (p.Thr985Ala)

Gene: SETD1B (SET domain containing 1B, histone lysine methyltransferase; plus strand). Cytogenetic location: 12q24.31.
Variant type: single nucleotide variant.
Coding change: c.2953A>G on transcript NM_001353345.2 (MANE Select); coding-DNA position 2953, A replaced by G.
Protein change: p.Thr985Ala; replaces threonine 985 with alanine.
Molecular consequence: missense variant.
Genome position (GRCh38, 1-based): chr12:121,817,270, A>G. VCF-style: chr12-121817270-A-G. GRCh37 (hg19) VCF-style: chr12-122255176-A-G.
Other names: NM_015048.1:c.2953A>G; short protein forms T985A.
Identifiers: ClinVar variation 1316035 (VCV001316035.3), dbSNP rs918413316, ClinGen allele CA244643824.

ClinVar aggregate classification (germline): Conflicting classifications of pathogenicity. Review status: criteria provided, conflicting classifications (1 of 4 stars). 2 submissions from 2 submitters: Uncertain significance (1); Likely benign (1). Last evaluated 2023-12-27.

Conditions:
Inborn genetic diseases. Identifiers: MedGen C0950123, MeSH D030342.

Allele frequency attached by ClinVar (database versions not stated): gnomAD exomes 0.00001; TOPMed 0.00001; gnomAD 0.00003.
gnomAD v4.1: 20 of 1,550,662 alleles (0.0013%); highest among the groups gnomAD compares: Non-Finnish European, 0.0017%; no homozygotes.

Submissions (2):

Ambry Genetics
Classification: Likely benign for Inborn genetic diseases. Last evaluated: 2023-12-27. Review status: criteria provided, single submitter. Criteria: Ambry Variant Classification Scheme 2023. Collection method: clinical testing. Allele origin: germline.

GeneDx
Classification: Uncertain significance. Last evaluated: 2019-12-17. Review status: criteria provided, single submitter. Criteria: GeneDx Variant Classification Process June 2021. Collection method: clinical testing. Allele origin: germline. Affected: yes.
Comment: Not observed in large population cohorts (Lek et al., 2016); In silico analysis, which includes protein predictors and evolutionary conservation, supports a deleterious effect; Has not been previously published as pathogenic or benign to our knowledge